The following is an entry in ClinVar:

ClinVar aggregate classification (germline): Uncertain significance. Review status: criteria provided, multiple submitters, no conflicts (2 of 4 stars). 2 submissions from 2 submitters: Uncertain significance (2). Last evaluated 2024-11-05.

Conditions:
Inborn genetic diseases. Identifiers: MedGen C0950123, MeSH D030342.

Allele frequency attached by ClinVar (database versions not stated): gnomAD 0.00001; gnomAD exomes 0.00001; TOPMed 0.00001.

Submissions (2):

Labcorp Genetics (formerly Invitae), Labcorp
Classification: Uncertain significance. Last evaluated: 2024-11-05. Review status: criteria provided, single submitter. Criteria: Invitae Variant Classification Sherloc (09022015). Collection method: clinical testing. Allele origin: germline.
Comment: This sequence change replaces isoleucine, which is neutral and non-polar, with threonine, which is neutral and polar, at codon 320 of the VARS2 protein (p.Ile320Thr). This variant is present in population databases (no rsID available, gnomAD 0.007%). This variant has not been reported in the literature in individuals affected with VARS2-related conditions. ClinVar contains an entry for this variant (Variation ID: 1985013). Invitae Evidence Modeling of protein sequence and biophysical properties (such as structural, functional, and spatial information, amino acid conservation, physicochemical variation, residue mobility, and thermodynamic stability) indicates that this missense variant is expected to disrupt VARS2 protein function with a positive predictive value of 80%. In summary, the available evidence is currently insufficient to determine the role of this variant in disease. Therefore, it has been classified as a Variant of Uncertain Significance.

Ambry Genetics
Classification: Uncertain significance for Inborn genetic diseases. Last evaluated: 2022-12-28. Review status: criteria provided, single submitter. Criteria: Ambry Variant Classification Scheme 2023. Collection method: clinical testing. Allele origin: germline.

NM_020442.6(VARS2):c.869T>C (p.Ile290Thr)

Gene: VARS2 (valyl-tRNA synthetase 2, mitochondrial; plus strand). Cytogenetic location: 6p21.33.
Variant type: single nucleotide variant.
Coding change: c.869T>C on transcript NM_020442.6 (MANE Select); coding-DNA position 869, T replaced by C.
Protein change: p.Ile290Thr; replaces isoleucine 290 with threonine.
Molecular consequence: missense variant.
Genome position (GRCh38, 1-based): chr6:30,917,220, T>C. VCF-style: chr6-30917220-T-C. GRCh37 (hg19) VCF-style: chr6-30884997-T-C.
Other names: c.449T>C, p.Ile150Thr (NM_001167733.3); c.959T>C, p.Ile320Thr (NM_001167734.2); short protein forms I150T, I290T, I320T.
Identifiers: ClinVar variation 1985013 (VCV001985013.5), dbSNP rs1393960687, ClinGen allele CA363169662.